The following is an entry in ClinVar:

NM_020937.4(FANCM):c.4891A>T (p.Thr1631Ser)

Gene: FANCM (FA complementation group M; plus strand). Cytogenetic location: 14q21.2.
Variant type: single nucleotide variant.
Coding change: c.4891A>T on transcript NM_020937.4 (MANE Select); coding-DNA position 4891, A replaced by T.
Protein change: p.Thr1631Ser; replaces threonine 1631 with serine.
Molecular consequence: missense variant.
Genome position (GRCh38, 1-based): chr14:45,188,913, A>T. VCF-style: chr14-45188913-A-T. GRCh37 (hg19) VCF-style: chr14-45658116-A-T.
Other names: c.4813A>T, p.Thr1605Ser (NM_001308133.2); short protein forms T1605S, T1631S.
Identifiers: ClinVar variation 5021548 (VCV005021548.1).

ClinVar aggregate classification (germline): Uncertain significance (1 of 4 stars; one submission).

Conditions:
Inborn genetic diseases. Identifiers: MedGen C0950123, MeSH D030342.

Submission:

Ambry Genetics
Classification: Uncertain significance for Inborn genetic diseases. Last evaluated: 2026-09-13. Review status: criteria provided, single submitter. Criteria: Ambry Variant Classification Scheme 2023. Collection method: clinical testing. Allele origin: germline.
Comment: The p.T1631S variant (also known as c.4891A>T), located in coding exon 20 of the FANCM gene, results from an A to T substitution at nucleotide position 4891. The threonine at codon 1631 is replaced by serine, an amino acid with similar properties. This amino acid position is conserved. In addition, this alteration is predicted to be tolerated by in silico analysis. Based on the available evidence, the clinical significance of this variant remains unclear.